The following is an entry in ClinVar:

NM_000277.3(PAH):c.1159T>G (p.Tyr387Asp)

Gene: PAH (phenylalanine hydroxylase; minus strand). Cytogenetic location: 12q23.2.
Variant type: single nucleotide variant.
Coding change: c.1159T>G on transcript NM_000277.3 (MANE Select); coding-DNA position 1159, T replaced by G.
Protein change: p.Tyr387Asp; replaces tyrosine 387 with aspartic acid.
Molecular consequence: missense variant.
Genome position (GRCh38, 1-based): chr12:102,843,686, A>C on the plus strand (T>G on the coding strand, the complement: PAH is on the minus strand). VCF-style: chr12-102843686-A-C. GRCh37 (hg19) VCF-style: chr12-103237464-A-C.
Other names: NM_000277.1:c.1159T>G; c.1159T>G, p.Tyr387Asp (NM_001354304.2); short protein forms Y387D.
Identifiers: ClinVar variation 1327553 (VCV001327553.1), dbSNP rs62517194, ClinGen allele CA16020952.

ClinVar aggregate classification (germline): Likely pathogenic (3 of 4 stars; one submission).

Conditions:
Phenylketonuria (PKU). Also called: Phenylketonuria (PKU); FOLLING DISEASE; OLIGOPHRENIA PHENYLPYRUVICA; Phenylketonurias. Identifiers: Orphanet 716, MedGen C0031485, MONDO:0009861, OMIM 261600. Disease mechanism: loss of function.

Submission:

ClinGen PAH Variant Curation Expert Panel
Classification: Likely pathogenic for Phenylketonuria. Last evaluated: 2020-08-10. Review status: reviewed by expert panel. Criteria: ClinGen PAH ACMG Specifications v1. Collection method: curation. Allele origin: germline. Inheritance: Autosomal recessive inheritance.
Comment: The c.1159T>G (p.Tyr387Asp) variant in PAH has been reported in 3 individuals with mild and classic PKU (BH4 deficiency excluded, PMID: 17557229, 26503515), detected in trans with pathogenic variants: p.Y356*; p.R413P; p.R261Q (PMID: 30050108). This variant is absent in population databases. Computational evidence support a deleterious effect. In summary, this variant meets criteria to be classified as likely pathogenic for PAH. PAH-specific ACMG/AMP criteria applied: PP4_Moderate, PM2, PM3_strong, PP3.

Literature cited by the submitters: PubMed 17557229; PubMed 26503515.